The following is an entry in ClinVar:

NM_001382567.1(STIM1):c.46C>T (p.Leu16Phe)

Gene: STIM1 (stromal interaction molecule 1; plus strand). Cytogenetic location: 11p15.4.
Variant type: single nucleotide variant.
Coding change: c.46C>T on transcript NM_001382567.1 (MANE Select); coding-DNA position 46, C replaced by T.
Protein change: p.Leu16Phe; replaces leucine 16 with phenylalanine.
Molecular consequence: missense variant. On other transcripts: synonymous variant (1), 5 prime UTR variant (1), non-coding transcript variant (3), intron variant (10).
Genome position (GRCh38, 1-based): chr11:3,856,316, C>T. VCF-style: chr11-3856316-C-T. GRCh37 (hg19) VCF-style: chr11-3877546-C-T.
Other names: c.46C>T, p.Leu16Phe (NM_001277962.2, NM_001382568.1, NM_001382570.1 and 3 more transcripts); c.42C>T, p.Ser14= (NM_001382569.1); c.-192C>T (NM_001382571.1); c.-84+1580C>T (NM_001382578.1, NM_001382575.1, NM_001382574.1); c.-220+1580C>T (NM_001382580.1, NM_001382581.1); c.-84+1662C>T (NM_001382576.1); c.-84+900C>T (NM_001382566.1, NM_001382579.1, NM_001382577.1 and 1 more transcripts); short protein forms L16F.
Identifiers: ClinVar variation 2926164 (VCV002926164.3), dbSNP rs2090367088, ClinGen allele CA379196359.

ClinVar aggregate classification (germline): Uncertain significance (1 of 4 stars; one submission).

Conditions:
Stormorken syndrome (STRMK). Also called: THROMBOCYTOPATHY, ASPLENIA, AND MIOSIS. Identifiers: Orphanet 3204, MedGen C1861451, MONDO:0008497, OMIM 185070.
Combined immunodeficiency due to STIM1 deficiency. Also called: IMMUNODEFICIENCY 10; STIM1 DEFICIENCY. Identifiers: Orphanet 169090, Orphanet 317430, MedGen C2748557, MONDO:0013008, OMIM 612783.
Myopathy with tubular aggregates (TAM). Also called: Tubular Aggregate Myopathy. Identifiers: Orphanet 2593, MedGen C0410207, MONDO:0008051.

Allele frequency attached by ClinVar (database versions not stated): gnomAD 0.00001; gnomAD exomes 0.00001; TOPMed 0.00001.
gnomAD v4.1: 14 of 1,614,078 alleles (0.00087%); highest among the groups gnomAD compares: Non-Finnish European, 0.0012%; no homozygotes.

Submission:

Labcorp Genetics (formerly Invitae), Labcorp
Classification: Uncertain significance for Myopathy with tubular aggregates; Combined immunodeficiency due to STIM1 deficiency; Stormorken syndrome. Last evaluated: 2022-12-31. Review status: criteria provided, single submitter. Criteria: Invitae Variant Classification Sherloc (09022015). Collection method: clinical testing. Allele origin: germline.
Comment: In summary, the available evidence is currently insufficient to determine the role of this variant in disease. Therefore, it has been classified as a Variant of Uncertain Significance. Advanced modeling of protein sequence and biophysical properties (such as structural, functional, and spatial information, amino acid conservation, physicochemical variation, residue mobility, and thermodynamic stability) has been performed at Invitae for this missense variant, however the output from this modeling did not meet the statistical confidence thresholds required to predict the impact of this variant on STIM1 protein function. This variant has not been reported in the literature in individuals affected with STIM1-related conditions. This variant is not present in population databases (gnomAD no frequency). This sequence change replaces leucine, which is neutral and non-polar, with phenylalanine, which is neutral and non-polar, at codon 16 of the STIM1 protein (p.Leu16Phe).